The following is an entry in ClinVar:

NM_001267550.2(TTN):c.28908C>A (p.Cys9636Ter)

Gene: TTN (titin; minus strand). Cytogenetic location: 2q31.2.
Variant type: single nucleotide variant.
Coding change: c.28908C>A on transcript NM_001267550.2 (MANE Select); coding-DNA position 28908, C replaced by A.
Protein change: p.Cys9636Ter; replaces cysteine 9636 with a stop codon.
Molecular consequence: nonsense. On other transcripts: intron variant (3).
Genome position (GRCh38, 1-based): chr2:178,707,659, G>T on the plus strand (C>A on the coding strand, the complement: TTN is on the minus strand). VCF-style: chr2-178707659-G-T. GRCh37 (hg19) VCF-style: chr2-179572386-G-T.
Other names: c.27957C>A, p.Cys9319Ter (NM_001256850.1); c.25176C>A, p.Cys8392Ter (NM_133378.4); c.13282+30423C>A (NM_003319.4); c.13858+30423C>A (NM_133437.4); c.13657+30423C>A (NM_133432.3); short protein forms C9636*, C8392*, C9319*.
Identifiers: ClinVar variation 466983 (VCV000466983.9), dbSNP rs1553883443, ClinGen allele CA349587149.

ClinVar aggregate classification (germline): Likely pathogenic (1 of 4 stars; one submission).

Conditions:
Autosomal recessive limb-girdle muscular dystrophy type 2J (LGMDR10). Also called: Limb-girdle muscular dystrophy, type 2J; MUSCULAR DYSTROPHY, LIMB-GIRDLE, AUTOSOMAL RECESSIVE 10. Identifiers: Orphanet 140922, MedGen C1837342, MONDO:0012127, OMIM 608807.
Dilated cardiomyopathy 1G (CMD1G). Identifiers: Orphanet 154, MedGen C1858763, MONDO:0011400, OMIM 604145.

Submission:

Labcorp Genetics (formerly Invitae), Labcorp
Classification: Likely pathogenic for Dilated cardiomyopathy 1G; Autosomal recessive limb-girdle muscular dystrophy type 2J. Last evaluated: 2025-01-21. Review status: criteria provided, single submitter. Criteria: Invitae Variant Classification Sherloc (09022015). Collection method: clinical testing. Allele origin: germline.
Comment: This sequence change creates a premature translational stop signal (p.Cys9636*) in the TTN gene. While this is not anticipated to result in nonsense mediated decay, it is expected to create a truncated TTN protein. This variant is not present in population databases (gnomAD no frequency). This variant has not been reported in the literature in individuals affected with TTN-related conditions. ClinVar contains an entry for this variant (Variation ID: 466983). This variant is located in the I band of TTN (PMID: 25589632). Truncating variants in this region have been reported in individuals affected with autosomal recessive centronuclear myopathy (PMID: 23975875, internal data). Truncating variants in this region have also been identified in individuals affected with autosomal dominant dilated cardiomyopathy and/or cardio-related conditions (PMID: 27869827, 32964742, internal data). In summary, the currently available evidence indicates that the variant is pathogenic, but additional data are needed to prove that conclusively. Therefore, this variant has been classified as Likely Pathogenic.

Literature cited by the submitters: PubMed 25589632; PubMed 23975875; PubMed 27869827; PubMed 32964742.